The following is an entry in ClinVar:

ClinVar aggregate classification (germline): Pathogenic (1 of 4 stars; one submission).

Conditions:
Hermansky-Pudlak syndrome 3 (HPS3). Identifiers: Orphanet 231512, Orphanet 79430, MedGen C3888001, MONDO:0013555, OMIM 614072.

Submission:

Myriad Genetics, Inc.
Classification: Pathogenic for Hermansky-Pudlak syndrome 3. Last evaluated: 2024-08-13. Review status: criteria provided, single submitter. Criteria: Myriad Autosomal Dominant, Autosomal Recessive and X-Linked Classification Criteria (2023). Collection method: clinical testing. Allele origin: unknown.
Comment: NM_032383.3(HPS3):c.1223delC(P408Rfs*7) is expected to be pathogenic in the context of Hermansky-Pudlak syndrome, HPS3-related. This variant is predicted to lead to an abnormal or absent protein product due to the creation of a premature termination codon in HPS3, a gene where loss-of-function variants are known to be pathogenic. Please note: this variant was assessed in the context of healthy population screening.

NM_032383.5(HPS3):c.1223del (p.Pro408fs)

Gene: HPS3 (HPS3 biogenesis of lysosomal organelles complex 2 subunit 1; plus strand). Cytogenetic location: 3q24.
Variant type: Deletion.
Coding change: c.1223del on transcript NM_032383.5 (MANE Select); coding-DNA position 1223, one base deleted (C; older notation c.1223delC).
Protein change: p.Pro408fs; shifts the reading frame from proline 408.
Molecular consequence: frameshift variant.
Genome position (GRCh38, 1-based): chr3:149,150,658, C deleted; the last of 3 consecutive C bases (chr3:149,150,656-149,150,658); deleting any one gives the same sequence. VCF-style (leftmost placement, unchanged base first): chr3-149150655-AC-A. GRCh37 (hg19) VCF-style: chr3-148868442-AC-A.
Other names: c.728del, p.Pro243fs (NM_001308258.2); short protein forms P243fs, P408fs.
Identifiers: ClinVar variation 5013448 (VCV005013448.1).